The following is an entry in ClinVar:

ClinVar aggregate classification (germline): Uncertain significance. Review status: criteria provided, multiple submitters, no conflicts (2 of 4 stars). 3 submissions from 3 submitters: Uncertain significance (3). Last evaluated 2026-03-18.

Conditions:
Neuropathy, hereditary sensory and autonomic, type 2A (HSAN2A). Also called: WNK1-Related HSAN2 (HSAN2A); ACROOSTEOLYSIS, GIACCAI TYPE; ACROOSTEOLYSIS, NEUROGENIC; MORVAN DISEASE; NEUROPATHY, CONGENITAL SENSORY; NEUROPATHY, HEREDITARY SENSORY RADICULAR, AUTOSOMAL RECESSIVE. Identifiers: Orphanet 970, MedGen C2752089, MONDO:0024309, OMIM 201300.
Generalized epilepsy with febrile seizures plus, type 7 (GEFSP7). Also called: GEFS+, TYPE 7. Identifiers: Orphanet 36387, MedGen C2751778, MONDO:0013470, OMIM 613863.
SCN9A-related disorder. Also called: SCN9A-related disorders; SCN9A-related condition.

Allele frequency attached by ClinVar (database versions not stated): gnomAD exomes 0.00002 and 0.00003; ExAC 0.00003; gnomAD 0.00003; TOPMed 0.00005; ESP Exome Variant Server 0.00008.

Submissions (3):

PreventionGenetics, part of Exact Sciences
Classification: Uncertain significance for SCN9A-related condition. Last evaluated: 2026-03-18. Review status: criteria provided, single submitter. Criteria: ACMG Guidelines, 2015. Collection method: clinical testing. Allele origin: germline.
Comment: The SCN9A c.317T>C variant is predicted to result in the amino acid substitution p.Leu106Ser. To our knowledge, this variant has not been reported in the literature. This variant is reported in 0.0031% of alleles in individuals of European (non-Finnish) descent in gnomAD. At this time, the clinical significance of this variant is uncertain due to the absence of conclusive functional and genetic evidence.

Labcorp Genetics (formerly Invitae), Labcorp
Classification: Uncertain significance for Neuropathy, hereditary sensory and autonomic, type 2A; Generalized epilepsy with febrile seizures plus, type 7. Last evaluated: 2025-12-01. Review status: criteria provided, single submitter. Criteria: Invitae Variant Classification Sherloc (09022015). Collection method: clinical testing. Allele origin: germline.
Comment: This sequence change replaces leucine, which is neutral and non-polar, with serine, which is neutral and polar, at codon 106 of the SCN9A protein (p.Leu106Ser). This variant is present in population databases (rs202110802, gnomAD 0.004%). This variant has not been reported in the literature in individuals affected with SCN9A-related conditions. ClinVar contains an entry for this variant (Variation ID: 660489). Invitae Evidence Modeling of protein sequence and biophysical properties (such as structural, functional, and spatial information, amino acid conservation, physicochemical variation, residue mobility, and thermodynamic stability) has been performed for this missense variant. However, the output from this modeling did not meet the statistical confidence thresholds required to predict the impact of this variant on SCN9A protein function. In summary, the available evidence is currently insufficient to determine the role of this variant in disease. Therefore, it has been classified as a Variant of Uncertain Significance.

Blueprint Genetics
Classification: Uncertain significance. Last evaluated: 2024-09-30. Review status: criteria provided, single submitter. Criteria: ACMG Guidelines, 2015. Collection method: clinical testing. Allele origin: germline.

NM_001365536.1(SCN9A):c.317T>C (p.Leu106Ser)

Gene: SCN9A (sodium voltage-gated channel alpha subunit 9; minus strand). Cytogenetic location: 2q24.3.
Variant type: single nucleotide variant.
Coding change: c.317T>C on transcript NM_001365536.1 (MANE Select); coding-DNA position 317, T replaced by C.
Protein change: p.Leu106Ser; replaces leucine 106 with serine.
Molecular consequence: missense variant.
Genome position (GRCh38, 1-based): chr2:166,307,016, A>G on the plus strand (T>C on the coding strand, the complement: SCN9A is on the minus strand). VCF-style: chr2-166307016-A-G. GRCh37 (hg19) VCF-style: chr2-167163526-A-G.
Other names: c.317T>C, p.Leu106Ser (NM_002977.4); short protein forms L106S.
Identifiers: ClinVar variation 660489 (VCV000660489.9), dbSNP rs202110802, ClinGen allele CA1944826.